The following is an entry in ClinVar:

ClinVar aggregate classification (germline): Uncertain significance (1 of 4 stars; one submission).

Submission:

Labcorp Genetics (formerly Invitae), Labcorp
Classification: Uncertain significance. Last evaluated: 2021-08-02. Review status: criteria provided, single submitter. Criteria: Invitae Variant Classification Sherloc (09022015). Collection method: clinical testing. Allele origin: germline.
Comment: In summary, the available evidence is currently insufficient to determine the role of this variant in disease. Therefore, it has been classified as a Variant of Uncertain Significance. Algorithms developed to predict the effect of missense changes on protein structure and function are either unavailable or do not agree on the potential impact of this missense change (SIFT: "Deleterious"; PolyPhen-2: "Not Available"; Align-GVGD: "Class C25"). This variant has not been reported in the literature in individuals affected with POLE-related conditions. This variant is not present in population databases (ExAC no frequency). This sequence change replaces leucine with proline at codon 1465 of the POLE protein (p.Leu1465Pro). The leucine residue is moderately conserved and there is a moderate physicochemical difference between leucine and proline.

NM_006231.4(POLE):c.4394T>C (p.Leu1465Pro)

Gene: POLE (DNA polymerase epsilon, catalytic subunit; minus strand). Cytogenetic location: 12q24.33.
Variant type: single nucleotide variant.
Coding change: c.4394T>C on transcript NM_006231.4 (MANE Select); coding-DNA position 4394, T replaced by C.
Protein change: p.Leu1465Pro; replaces leucine 1465 with proline.
Molecular consequence: missense variant.
Genome position (GRCh38, 1-based): chr12:132,643,457, A>G on the plus strand (T>C on the coding strand, the complement: POLE is on the minus strand). VCF-style: chr12-132643457-A-G. GRCh37 (hg19) VCF-style: chr12-133220043-A-G.
Other names: short protein forms L1465P.
Identifiers: ClinVar variation 1407916 (VCV001407916.6), dbSNP rs2042202503, ClinGen allele CA387381136.